The following is an entry in ClinVar:

ClinVar aggregate classification (germline): Uncertain significance (1 of 4 stars; one submission).

gnomAD v4.1: 6 of 1,614,024 alleles (0.00037%); highest among the groups gnomAD compares: Non-Finnish European, 0.00042%; no homozygotes.

Submission:

Labcorp Genetics (formerly Invitae), Labcorp
Classification: Uncertain significance. Last evaluated: 2025-07-18. Review status: criteria provided, single submitter. Criteria: Invitae Variant Classification Sherloc (09022015). Collection method: clinical testing. Allele origin: germline.
Comment: This sequence change replaces threonine, which is neutral and polar, with isoleucine, which is neutral and non-polar, at codon 195 of the RFWD3 protein (p.Thr195Ile). This variant is present in population databases (no rsID available, gnomAD 0.0009%). This variant has not been reported in the literature in individuals affected with RFWD3-related conditions. An algorithm developed to predict the effect of missense changes on protein structure and function (PolyPhen-2) suggests that this variant is likely to be tolerated. In summary, the available evidence is currently insufficient to determine the role of this variant in disease. Therefore, it has been classified as a Variant of Uncertain Significance.

NM_018124.4(RFWD3):c.584C>T (p.Thr195Ile)

Gene: RFWD3 (ring finger and WD repeat domain 3; minus strand). Cytogenetic location: 16q23.1.
Variant type: single nucleotide variant.
Coding change: c.584C>T on transcript NM_018124.4 (MANE Select); coding-DNA position 584, C replaced by T.
Protein change: p.Thr195Ile; replaces threonine 195 with isoleucine.
Molecular consequence: missense variant. On other transcripts: 5 prime UTR variant (4), intron variant (1).
Genome position (GRCh38, 1-based): chr16:74,652,057, G>A on the plus strand (C>T on the coding strand, the complement: RFWD3 is on the minus strand). VCF-style: chr16-74652057-G-A. GRCh37 (hg19) VCF-style: chr16-74685955-G-A.
Other names: c.584C>T, p.Thr195Ile (NM_001370535.1, NM_001370536.1, NM_001370534.1); c.-425C>T (NM_001370537.1); c.-251C>T (NM_001370540.1); c.-302C>T (NM_001370542.1); c.-180C>T (NM_001370543.1); c.-113-2855C>T (NM_001370539.1); short protein forms T195I.
Identifiers: ClinVar variation 4761438 (VCV004761438.1).